The following is an entry in ClinVar:

NM_006915.3(RP2):c.450G>A (p.Trp150Ter)

Gene: RP2 (RP2 activator of ARL3 GTPase; plus strand). Cytogenetic location: Xp11.3.
Variant type: single nucleotide variant.
Coding change: c.450G>A on transcript NM_006915.3 (MANE Select); coding-DNA position 450, G replaced by A.
Protein change: p.Trp150Ter; replaces tryptophan 150 with a stop codon.
Molecular consequence: nonsense.
Genome position (GRCh38, 1-based): chrX:46,853,823, G>A. VCF-style: chrX-46853823-G-A. GRCh37 (hg19) VCF-style: chrX-46713258-G-A.
Other names: short protein forms W150*.
Identifiers: ClinVar variation 1068681 (VCV001068681.8), dbSNP rs1924906177, ClinGen allele CA413039911.

ClinVar aggregate classification (germline): Pathogenic. Review status: criteria provided, multiple submitters, no conflicts (2 of 4 stars). 3 submissions from 3 submitters: Pathogenic (3). Last evaluated 2023-08-17.

Conditions:
RP2-related disorder. Also called: RP2-related condition.
Retinitis pigmentosa 2 (RP2). Also called: Retinitis pigmentosa 2, X linked. Identifiers: Orphanet 791, MedGen C2681923, MONDO:0010723, OMIM 312600.

Submissions (3):

Labcorp Genetics (formerly Invitae), Labcorp
Classification: Pathogenic. Last evaluated: 2023-08-17. Review status: criteria provided, single submitter. Criteria: Invitae Variant Classification Sherloc (09022015). Collection method: clinical testing. Allele origin: germline.
Comment: For these reasons, this variant has been classified as Pathogenic. ClinVar contains an entry for this variant (Variation ID: 1068681). This variant has not been reported in the literature in individuals affected with RP2-related conditions. This variant is not present in population databases (gnomAD no frequency). This sequence change creates a premature translational stop signal (p.Trp150*) in the RP2 gene. It is expected to result in an absent or disrupted protein product. Loss-of-function variants in RP2 are known to be pathogenic (PMID: 11992260, 20625056).

Institute of Human Genetics Munich, TUM University Hospital
Classification: Pathogenic for Retinitis pigmentosa 2. Last evaluated: 2023-07-13. Review status: criteria provided, single submitter. Criteria: Classification criteria August 2017. Collection method: clinical testing. Allele origin: germline. Inheritance: X-linked inheritance. Affected: yes. Observed: 1 variant allele.

Blueprint Genetics
Classification: Pathogenic for RP2-related disorders. Last evaluated: 2022-08-31. Review status: criteria provided, single submitter. Criteria: ACMG Guidelines, 2015. Collection method: clinical testing. Allele origin: germline. Affected: yes. Observed: 1 variant allele.

Literature cited by the submitters: PubMed 11992260 (cited by Labcorp Genetics (formerly Invitae), Labcorp); PubMed 20625056 (cited by Labcorp Genetics (formerly Invitae), Labcorp).